The following is an entry in ClinVar:

NM_001367624.2(ZNF469):c.10592T>C (p.Val3531Ala)

Gene: ZNF469 (zinc finger protein 469; plus strand). Cytogenetic location: 16q24.2.
Variant type: single nucleotide variant.
Coding change: c.10592T>C on transcript NM_001367624.2 (MANE Select); coding-DNA position 10592, T replaced by C.
Protein change: p.Val3531Ala; replaces valine 3531 with alanine.
Molecular consequence: missense variant.
Genome position (GRCh38, 1-based): chr16:88,438,062, T>C. VCF-style: chr16-88438062-T-C. GRCh37 (hg19) VCF-style: chr16-88504470-T-C.
Other names: short protein forms V3531A.
Identifiers: ClinVar variation 3008924 (VCV003008924.3), dbSNP rs764305025, ClinGen allele CA8225529.

ClinVar aggregate classification (germline): Uncertain significance (1 of 4 stars; one submission).

Allele frequency attached by ClinVar (database versions not stated): TOPMed below 0.00001; gnomAD 0.00001; ExAC 0.00005.
gnomAD v4.1: 2 of 1,550,250 alleles (0.00013%); highest among the groups gnomAD compares: Admixed American, 0.002%; no homozygotes.

Submission:

Labcorp Genetics (formerly Invitae), Labcorp
Classification: Uncertain significance. Last evaluated: 2023-08-07. Review status: criteria provided, single submitter. Criteria: Invitae Variant Classification Sherloc (09022015). Collection method: clinical testing. Allele origin: germline.
Comment: In summary, the available evidence is currently insufficient to determine the role of this variant in disease. Therefore, it has been classified as a Variant of Uncertain Significance. This sequence change replaces valine, which is neutral and non-polar, with alanine, which is neutral and non-polar, at codon 3503 of the ZNF469 protein (p.Val3503Ala). This variant is present in population databases (rs764305025, gnomAD 0.002%). This variant has not been reported in the literature in individuals affected with ZNF469-related conditions. Algorithms developed to predict the effect of missense changes on protein structure and function output the following: SIFT: "Not Available"; PolyPhen-2: "Benign"; Align-GVGD: "Not Available". The alanine amino acid residue is found in multiple mammalian species, which suggests that this missense change does not adversely affect protein function.